The following is an entry in ClinVar:

ClinVar aggregate classification (germline): Uncertain significance (1 of 4 stars; one submission).

Allele frequency attached by ClinVar (database versions not stated): ExAC 0.00001; gnomAD exomes 0.00001.
gnomAD v4.1: 3 of 1,613,968 alleles (0.00019%); highest among the groups gnomAD compares: East Asian, 0.0022%; no homozygotes.

Submission:

Ambry Genetics
Classification: Uncertain significance. Last evaluated: 2022-04-09. Review status: criteria provided, single submitter. Criteria: Ambry Variant Classification Scheme 2023. Collection method: clinical testing. Allele origin: germline.
Comment: The p.S754L variant (also known as c.2261C>T), located in coding exon 15 of the MYOM1 gene, results from a C to T substitution at nucleotide position 2261. The serine at codon 754 is replaced by leucine, an amino acid with dissimilar properties. This amino acid position is conserved. In addition, this alteration is predicted to be deleterious by in silico analysis. Since supporting evidence is limited at this time, the clinical significance of this alteration remains unclear.

NM_003803.4(MYOM1):c.2261C>T (p.Ser754Leu)

Gene: MYOM1 (myomesin 1; minus strand). Cytogenetic location: 18p11.31.
Variant type: single nucleotide variant.
Coding change: c.2261C>T on transcript NM_003803.4 (MANE Select); coding-DNA position 2261, C replaced by T.
Protein change: p.Ser754Leu; replaces serine 754 with leucine.
Molecular consequence: missense variant.
Genome position (GRCh38, 1-based): chr18:3,134,773, G>A on the plus strand (C>T on the coding strand, the complement: MYOM1 is on the minus strand). VCF-style: chr18-3134773-G-A. GRCh37 (hg19) VCF-style: chr18-3134771-G-A.
Other names: c.2261C>T, p.Ser754Leu (NM_019856.2); short protein forms S754L.
Identifiers: ClinVar variation 1788641 (VCV001788641.2), dbSNP rs751348038, ClinGen allele CA8874699.